The following is an entry in ClinVar:

NM_020207.7(ERCC6L2):c.4148G>A (p.Arg1383His)

Gene: ERCC6L2 (ERCC excision repair 6 like 2; plus strand). Cytogenetic location: 9q22.32.
Variant type: single nucleotide variant.
Coding change: c.4148G>A on transcript NM_020207.7 (MANE Select); coding-DNA position 4148, G replaced by A.
Protein change: p.Arg1383His; replaces arginine 1383 with histidine.
Molecular consequence: missense variant. On other transcripts: non-coding transcript variant (1), intron variant (2).
Genome position (GRCh38, 1-based): chr9:96,012,698, G>A. VCF-style: chr9-96012698-G-A. GRCh37 (hg19) VCF-style: chr9-98774980-G-A.
Other names: c.3674+7997G>A (NM_001375291.1, NM_001375292.1); short protein forms R1383H.
Identifiers: ClinVar variation 1469942 (VCV001469942.3), dbSNP rs781557214, ClinGen allele CA5140067.
Genomic context (GRCh38, chr9:96,012,698, plus strand): 5'-CTACTCAAGAGATTGACAGTGGGAAAAACAGCCAGGCATCCGAAGATACTGTGACATCCC[G>A]TTCTCTGAACAGTGAGTCTGAAACACGTGAGAGAAGGTTAGAAAATACCATGAAAGACCA-3'
Protein context (NP_064592.3, residues 1373-1393): SQASEDTVTS[Arg1383His]SLNSESETRE

ClinVar aggregate classification (germline): Uncertain significance (1 of 4 stars; one submission).

Allele frequency attached by ClinVar (database versions not stated): gnomAD 0.00001; TOPMed 0.00001; gnomAD exomes 0.00001; ExAC 0.00001.
gnomAD v4.1: 15 of 1,367,430 alleles (0.0011%); highest among the groups gnomAD compares: East Asian, 0.0045%; no homozygotes.

Submission:

Labcorp Genetics (formerly Invitae), Labcorp
Classification: Uncertain significance. Last evaluated: 2021-10-22. Review status: criteria provided, single submitter. Criteria: Invitae Variant Classification Sherloc (09022015). Collection method: clinical testing. Allele origin: germline.
Comment: This sequence change replaces arginine with histidine at codon 1394 of the ERCC6L2 protein (p.Arg1394His). The arginine residue is weakly conserved and there is a small physicochemical difference between arginine and histidine. This variant is present in population databases (rs781557214, ExAC 0.002%). This variant has not been reported in the literature in individuals affected with ERCC6L2-related conditions. Algorithms developed to predict the effect of missense changes on protein structure and function are either unavailable or do not agree on the potential impact of this missense change (SIFT: "Tolerated"; PolyPhen-2: "Not Available"; Align-GVGD: "Class C0"). In summary, the available evidence is currently insufficient to determine the role of this variant in disease. Therefore, it has been classified as a Variant of Uncertain Significance.